The following is an entry in ClinVar:

ClinVar aggregate classification (germline): Likely benign (1 of 4 stars; one submission).

gnomAD v4.1: 1,342 of 1,614,286 alleles (0.083%); highest among the groups gnomAD compares: Middle Eastern, 1.2%; 3 homozygotes.

Submission:

CeGaT Center for Human Genetics Tuebingen
Classification: Likely benign. Last evaluated: 2025-08-01. Review status: criteria provided, single submitter. Criteria: CeGaT Center For Human Genetics Tuebingen Variant Classification Criteria Version 2. Collection method: clinical testing. Allele origin: germline. Affected: yes. Observed: 3 variant alleles.
Comment: SIK3: BS2

NM_001366686.3(SIK3):c.1039G>A (p.Glu347Lys)

Gene: SIK3 (SIK family kinase 3; minus strand). Cytogenetic location: 11q23.3.
Variant type: single nucleotide variant.
Coding change: c.1039G>A on transcript NM_001366686.3 (MANE Select); coding-DNA position 1039, G replaced by A.
Protein change: p.Glu347Lys; replaces glutamic acid 347 with lysine.
Molecular consequence: missense variant.
Genome position (GRCh38, 1-based): chr11:116,876,309, C>T on the plus strand (G>A on the coding strand, the complement: SIK3 is on the minus strand). VCF-style: chr11-116876309-C-T. GRCh37 (hg19) VCF-style: chr11-116747025-C-T.
Other names: c.562G>A, p.Glu188Lys (NM_001281748.3); c.1039G>A, p.Glu347Lys (NM_001281749.3, NM_025164.6); short protein forms E188K, E347K.
Identifiers: ClinVar variation 3388056 (VCV003388056.14).
Genomic context (GRCh38, chr11:116,876,309, plus strand): 5'-ATACCTGCAGTGTCTGTTCTTTGTCCAGTCCCATGTCCTCCATGGCCAAGAGGACATCCT[C>T]ATTCAGGGGGTCCACCTGTCTTTCTTCCTTTAGTTGTTGGCATTCAGCTATTAACTGTAA-3'
Protein context (NP_001353615.1, residues 337-357): KEERQVDPLN[Glu347Lys]DVLLAMEDMG